The following is an entry in ClinVar:

ClinVar aggregate classification (germline): Likely benign (0 of 4 stars; one submission).

Conditions:
KLHL21-related disorder. Also called: KLHL21-related condition.

Allele frequency attached by ClinVar (database versions not stated): 1000 Genomes Project 30x 0.00031; gnomAD 0.00032; TOPMed 0.00045; gnomAD exomes 0.00066; ExAC 0.00070.
gnomAD v4.1: 920 of 1,510,688 alleles (0.061%); highest among the groups gnomAD compares: Non-Finnish European, 0.075%; no homozygotes.

Submission:

PreventionGenetics, part of Exact Sciences
Classification: Likely benign for KLHL21-related condition. Last evaluated: 2020-10-21. Review status: no assertion criteria provided. Collection method: clinical testing. Allele origin: germline.
Comment: This variant is classified as likely benign based on ACMG/AMP sequence variant interpretation guidelines (Richards et al. 2015 PMID: 25741868, with internal and published modifications).

NM_014851.4(KLHL21):c.82C>T (p.Leu28=)

Gene: KLHL21 (kelch like family member 21; minus strand). Cytogenetic location: 1p36.31.
Variant type: single nucleotide variant.
Coding change: c.82C>T on transcript NM_014851.4 (MANE Select); coding-DNA position 82, C replaced by T.
Protein change: p.Leu28=; no amino-acid change (leucine 28 retained).
Molecular consequence: synonymous variant.
Genome position (GRCh38, 1-based): chr1:6,602,736, G>A on the plus strand (C>T on the coding strand, the complement: KLHL21 is on the minus strand). VCF-style: chr1-6602736-G-A. GRCh37 (hg19) VCF-style: chr1-6662796-G-A.
Other names: c.82C>T, p.Leu28= (NM_001324309.2).
Identifiers: ClinVar variation 3048947 (VCV003048947.2), dbSNP rs751245875, ClinGen allele CA564543.